The following is an entry in ClinVar:

ClinVar aggregate classification (germline): Likely benign. Review status: criteria provided, multiple submitters, no conflicts (2 of 4 stars). 6 submissions from 5 submitters: Likely benign (5). 1 of the submissions does not count toward it. Last evaluated 2024-09-13.

Conditions:
USH2A-related disorder. Also called: USH2A-related condition; USH2A-related disorders. Identifiers: MedGen CN239332.
Usher syndrome type 2A. Also called: USHER SYNDROME, TYPE IIA; RETINAL DISEASE IN USHER SYNDROME TYPE IIA, MODIFIER OF. Identifiers: Orphanet 231178, Orphanet 886, MedGen C1848634, MONDO:0010169, OMIM 276901.
Retinitis pigmentosa 39 (RP39). Identifiers: Orphanet 791, MedGen C3151138, MONDO:0013436, OMIM 613809.

Allele frequency attached by ClinVar (database versions not stated): gnomAD exomes below 0.00001.

Submissions (6):

Blueprint Genetics
Classification: Likely benign. Last evaluated: 2024-09-13. Review status: criteria provided, single submitter. Criteria: ACMG Guidelines, 2015. Collection method: clinical testing. Allele origin: germline.

Labcorp Genetics (formerly Invitae), Labcorp
Classification: Likely benign. Last evaluated: 2023-11-26. Review status: criteria provided, single submitter. Criteria: Invitae Variant Classification Sherloc (09022015). Collection method: clinical testing. Allele origin: germline.

Genome-Nilou Lab
Classification: Likely benign for Retinitis pigmentosa 39. Last evaluated: 2023-11-04. Review status: criteria provided, single submitter. Criteria: ACMG Guidelines, 2015. Collection method: clinical testing. Allele origin: germline. Affected: no.

Genome-Nilou Lab
Classification: Likely benign for Usher syndrome type 2A. Last evaluated: 2023-11-04. Review status: criteria provided, single submitter. Criteria: ACMG Guidelines, 2015. Collection method: clinical testing. Allele origin: germline. Affected: no.

Laboratory for Molecular Medicine, Mass General Brigham Personalized Medicine
Classification: Likely benign. Last evaluated: 2011-04-13. Review status: criteria provided, single submitter. Criteria: LMM Criteria. Collection method: clinical testing. Allele origin: germline. Observed: 1 variant allele.
Comment: Gly943Gly in exon 14 of USH2A: This variant is not expected to have clinical sig nificance because it does not alter an amino acid residue and is not located nea r a splice junction.

PreventionGenetics, part of Exact Sciences
Classification: Likely benign for USH2A-related condition. Last evaluated: 2019-06-27. Review status: no assertion criteria provided. Collection method: clinical testing. Allele origin: germline. Not counted in ClinVar's aggregate classification.
Comment: This variant is classified as likely benign based on ACMG/AMP sequence variant interpretation guidelines (Richards et al. 2015 PMID: 25741868, with internal and published modifications).

NM_206933.4(USH2A):c.2829C>A (p.Gly943=)

Genes: USH2A (usherin; minus strand), USH2A-AS1 (USH2A antisense RNA 1; plus strand). Cytogenetic location: 1q41.
Variant type: single nucleotide variant.
Coding change: c.2829C>A on transcript NM_206933.4 (MANE Select); coding-DNA position 2829, C replaced by A.
Protein change: p.Gly943=; no amino-acid change (glycine 943 retained).
Molecular consequence: synonymous variant.
Genome position (GRCh38, 1-based): chr1:216,232,117, G>T on the plus strand (C>A on the coding strand, the complement: USH2A is on the minus strand). VCF-style: chr1-216232117-G-T. GRCh37 (hg19) VCF-style: chr1-216405459-G-T.
Other names: c.2829C>A, p.Gly943= (NM_007123.6).
Identifiers: ClinVar variation 48492 (VCV000048492.16), dbSNP rs397518007, ClinGen allele CA143450.